The following is an entry in ClinVar:

ClinVar aggregate classification (germline): Uncertain significance. Review status: criteria provided, multiple submitters, no conflicts (2 of 4 stars). 2 submissions from 2 submitters: Uncertain significance (2). Last evaluated 2018-05-23.

Conditions:
Bardet-Biedl syndrome (BBS). Identifiers: Orphanet 110, MedGen C0752166, MONDO:0015229.

Submissions (2):

Labcorp Genetics (formerly Invitae), Labcorp
Classification: Uncertain significance for Bardet-Biedl syndrome. Last evaluated: 2018-05-23. Review status: criteria provided, single submitter. Criteria: Invitae Variant Classification Sherloc (09022015). Collection method: clinical testing. Allele origin: germline.
Comment: This sequence change replaces serine with isoleucine at codon 55 of the TRIM32 protein (p.Ser55Ile). The serine residue is moderately conserved and there is a large physicochemical difference between serine and isoleucine. This variant is not present in population databases (ExAC no frequency). This variant has not been reported in the literature in individuals with TRIM32-related disease. Algorithms developed to predict the effect of missense changes on protein structure and function are either unavailable or do not agree on the potential impact of this missense change (SIFT: "Deleterious"; PolyPhen-2: "Possibly Damaging"; Align-GVGD: "Class C15"). In summary, the available evidence is currently insufficient to determine the role of this variant in disease. Therefore, it has been classified as a Variant of Uncertain Significance.

Athena Diagnostics
Classification: Uncertain significance. Last evaluated: 2018-01-24. Review status: criteria provided, single submitter. Criteria: Athena Diagnostics Criteria. Collection method: clinical testing. Allele origin: germline.

NM_012210.4(TRIM32):c.164G>T (p.Ser55Ile)

Genes: ASTN2 (astrotactin 2; minus strand), TRIM32 (tripartite motif containing 32; plus strand). Cytogenetic location: 9q33.1.
Variant type: single nucleotide variant.
Coding change: c.164G>T on transcript NM_012210.4 (MANE Select); coding-DNA position 164, G replaced by T.
Protein change: p.Ser55Ile; replaces serine 55 with isoleucine.
Molecular consequence: missense variant. On other transcripts: intron variant (3).
Genome position (GRCh38, 1-based): chr9:116,697,906, G>T. VCF-style: chr9-116697906-G-T. GRCh37 (hg19) VCF-style: chr9-119460185-G-T.
Other names: c.164G>T, p.Ser55Ile (NM_001099679.2, NM_001379048.1, NM_001379049.1 and 1 more transcripts); c.2653+27865C>A (NM_014010.5); c.2794+27865C>A (NM_001365069.1); c.2806+27865C>A (NM_001365068.1); short protein forms S55I.
Identifiers: ClinVar variation 571462 (VCV000571462.8), dbSNP rs1564215128, ClinGen allele CA374647697.
Genomic context (GRCh38, chr9:116,697,906, plus strand): 5'-AGCTTCTGCACTGTGGCCATACCATCTGCCGCCAGTGCCTGGAGAAGCTATTGGCCAGTA[G>T]CATCAATGGTGTCCGCTGTCCCTTTTGCAGCAAGATTACCCGCATAACCAGCTTGACCCA-3'
Protein context (NP_036342.2, residues 45-65): RQCLEKLLAS[Ser55Ile]INGVRCPFCS